The following is an entry in ClinVar:

NC_000021.8:g.(?_47831083)_(47842058_?)dup

Gene: PCNT (pericentrin; plus strand). Cytogenetic location: 21q22.3.
Variant type: Duplication.
Identifiers: ClinVar variation 2425470 (VCV002425470.3).

ClinVar aggregate classification (germline): Uncertain significance (1 of 4 stars; one submission).

Submission:

Labcorp Genetics (formerly Invitae), Labcorp
Classification: Uncertain significance. Last evaluated: 2022-06-15. Review status: criteria provided, single submitter. Criteria: Invitae Variant Classification Sherloc (09022015). Collection method: clinical testing. Allele origin: germline.
Comment: This variant results in a copy number gain of the genomic region encompassing exon(s) 28-32 of the PCNT gene. While the exact position of this variant cannot be determined from the data, sub-genic copy number gains are generally in tandem (PMID: 25640679). This variant is predicted to be in-frame, and likely preserves the integrity of the reading frame. This variant has not been reported in the literature in individuals affected with PCNT-related conditions. Experimental studies and prediction algorithms are not available or were not evaluated, and the functional significance of this variant is currently unknown. In summary, the available evidence is currently insufficient to determine the role of this variant in disease. Therefore, it has been classified as a Variant of Uncertain Significance.

Literature cited by the submitters: PubMed 25640679.